The following is an entry in ClinVar:

ClinVar aggregate classification (germline): Uncertain significance (1 of 4 stars; one submission).

Allele frequency attached by ClinVar (database versions not stated): gnomAD 0.00001; TOPMed 0.00005; 1000 Genomes Project 30x 0.00016; gnomAD exomes 0.00017; 1000 Genomes Project 0.00020; ExAC 0.00026.
gnomAD v4.1: 52 of 1,614,014 alleles (0.0032%); highest among the groups gnomAD compares: Admixed American, 0.072%; no homozygotes.

Submission:

Labcorp Genetics (formerly Invitae), Labcorp
Classification: Uncertain significance. Last evaluated: 2022-07-12. Review status: criteria provided, single submitter. Criteria: Invitae Variant Classification Sherloc (09022015). Collection method: clinical testing. Allele origin: germline.
Comment: This sequence change replaces glutamine, which is neutral and polar, with glutamic acid, which is acidic and polar, at codon 1322 of the TTC37 protein (p.Gln1322Glu). This variant is present in population databases (rs201792101, gnomAD 0.07%). This variant has not been reported in the literature in individuals affected with TTC37-related conditions. ClinVar contains an entry for this variant (Variation ID: 1401091). Algorithms developed to predict the effect of missense changes on protein structure and function output the following: SIFT: "Tolerated"; PolyPhen-2: "Benign"; Align-GVGD: "Class C0". The glutamic acid amino acid residue is found in multiple mammalian species, which suggests that this missense change does not adversely affect protein function. In summary, the available evidence is currently insufficient to determine the role of this variant in disease. Therefore, it has been classified as a Variant of Uncertain Significance.

NM_014639.4(SKIC3):c.3964C>G (p.Gln1322Glu)

Gene: SKIC3 (SKI3 subunit of superkiller complex; minus strand). Cytogenetic location: 5q15.
Variant type: single nucleotide variant.
Coding change: c.3964C>G on transcript NM_014639.4 (MANE Select); coding-DNA position 3964, C replaced by G.
Protein change: p.Gln1322Glu; replaces glutamine 1322 with glutamic acid.
Molecular consequence: missense variant.
Genome position (GRCh38, 1-based): chr5:95,484,813, G>C on the plus strand (C>G on the coding strand, the complement: SKIC3 is on the minus strand). VCF-style: chr5-95484813-G-C. GRCh37 (hg19) VCF-style: chr5-94820517-G-C.
Other names: short protein forms Q1322E.
Identifiers: ClinVar variation 1401091 (VCV001401091.6), dbSNP rs201792101, ClinGen allele CA3346531.